The following is an entry in ClinVar:

ClinVar aggregate classification (germline): Uncertain significance (1 of 4 stars; one submission).

Allele frequency attached by ClinVar (database versions not stated): ExAC 0.00001; gnomAD exomes 0.00001 and 0.00008; gnomAD 0.00002; TOPMed 0.00002; ESP Exome Variant Server 0.00008.

Submission:

Labcorp Genetics (formerly Invitae), Labcorp
Classification: Uncertain significance. Last evaluated: 2021-10-24. Review status: criteria provided, single submitter. Criteria: Invitae Variant Classification Sherloc (09022015). Collection method: clinical testing. Allele origin: germline.
Comment: This sequence change replaces asparagine with threonine at codon 133 of the FLVCR1 protein (p.Asn133Thr). The asparagine residue is highly conserved and there is a small physicochemical difference between asparagine and threonine. This variant is present in population databases (rs144646325, ExAC 0.002%). This variant has not been reported in the literature in individuals affected with FLVCR1-related conditions. Algorithms developed to predict the effect of missense changes on protein structure and function are either unavailable or do not agree on the potential impact of this missense change (SIFT: "Deleterious"; PolyPhen-2: "Possibly Damaging"; Align-GVGD: "Class C0"). In summary, the available evidence is currently insufficient to determine the role of this variant in disease. Therefore, it has been classified as a Variant of Uncertain Significance.

NM_014053.4(FLVCR1):c.398A>C (p.Asn133Thr)

Gene: FLVCR1 (FLVCR choline and heme transporter 1; plus strand). Cytogenetic location: 1q32.3.
Variant type: single nucleotide variant.
Coding change: c.398A>C on transcript NM_014053.4 (MANE Select); coding-DNA position 398, A replaced by C.
Protein change: p.Asn133Thr; replaces asparagine 133 with threonine.
Molecular consequence: missense variant.
Genome position (GRCh38, 1-based): chr1:212,858,850, A>C. VCF-style: chr1-212858850-A-C. GRCh37 (hg19) VCF-style: chr1-213032192-A-C.
Other names: short protein forms N133T.
Identifiers: ClinVar variation 936766 (VCV000936766.5), dbSNP rs144646325, ClinGen allele CA1385888.